The following is an entry in ClinVar:

ClinVar aggregate classification (germline): Uncertain significance. Review status: criteria provided, multiple submitters, no conflicts (2 of 4 stars). 2 submissions from 2 submitters: Uncertain significance (2). Last evaluated 2024-12-08.

Conditions:
DICER1-related tumor predisposition. Also called: DICER1-related pleuropulmonary blastoma cancer predisposition syndrome; DICER1 syndrome. Identifiers: Orphanet 284343, MedGen C3839822, MONDO:0100216.
Hereditary cancer-predisposing syndrome. Also called: Tumor predisposition; Neoplastic Syndromes, Hereditary; Hereditary Cancer Syndrome; Hereditary neoplastic syndrome. Identifiers: Orphanet 140162, MedGen C0027672, MeSH D009386, MONDO:0015356.

Submissions (2):

Labcorp Genetics (formerly Invitae), Labcorp
Classification: Uncertain significance for DICER1-related tumor predisposition. Last evaluated: 2024-12-08. Review status: criteria provided, single submitter. Criteria: Invitae Variant Classification Sherloc (09022015). Collection method: clinical testing. Allele origin: germline.
Comment: This sequence change replaces glutamic acid, which is acidic and polar, with glycine, which is neutral and non-polar, at codon 512 of the DICER1 protein (p.Glu512Gly). This variant is not present in population databases (gnomAD no frequency). This variant has not been reported in the literature in individuals affected with DICER1-related conditions. ClinVar contains an entry for this variant (Variation ID: 477047). Invitae Evidence Modeling of protein sequence and biophysical properties (such as structural, functional, and spatial information, amino acid conservation, physicochemical variation, residue mobility, and thermodynamic stability) indicates that this missense variant is expected to disrupt DICER1 protein function with a positive predictive value of 95%. In summary, the available evidence is currently insufficient to determine the role of this variant in disease. Therefore, it has been classified as a Variant of Uncertain Significance.

Ambry Genetics
Classification: Uncertain significance for Hereditary cancer-predisposing syndrome. Last evaluated: 2024-05-22. Review status: criteria provided, single submitter. Criteria: Ambry Variant Classification Scheme 2023. Collection method: clinical testing. Allele origin: germline.
Comment: The p.E512G variant (also known as c.1535A>G), located in coding exon 9 of the DICER1 gene, results from an A to G substitution at nucleotide position 1535. The glutamic acid at codon 512 is replaced by glycine, an amino acid with similar properties. This amino acid position is highly conserved in available vertebrate species. In addition, the in silico prediction for this alteration is inconclusive. Based on the available evidence, the clinical significance of this variant remains unclear.

NM_177438.3(DICER1):c.1535A>G (p.Glu512Gly)

Gene: DICER1 (dicer 1, ribonuclease III; minus strand). Cytogenetic location: 14q32.13.
Variant type: single nucleotide variant.
Coding change: c.1535A>G on transcript NM_177438.3 (MANE Select); coding-DNA position 1535, A replaced by G.
Protein change: p.Glu512Gly; replaces glutamic acid 512 with glycine.
Molecular consequence: missense variant.
Genome position (GRCh38, 1-based): chr14:95,116,670, T>C on the plus strand (A>G on the coding strand, the complement: DICER1 is on the minus strand). VCF-style: chr14-95116670-T-C. GRCh37 (hg19) VCF-style: chr14-95583007-T-C.
Other names: c.1535A>G, p.Glu512Gly (NM_001195573.1, NM_001271282.3, NM_001291628.2 and 1 more transcripts); short protein forms E512G.
Identifiers: ClinVar variation 477047 (VCV000477047.15), dbSNP rs1555372903, ClinGen allele CA390885160.